The following is an entry in ClinVar:

ClinVar aggregate classification (germline): Uncertain significance (1 of 4 stars; one submission).

Conditions:
EGFR-related lung cancer (EGFR). Identifiers: MedGen CN130014.

Submission:

Labcorp Genetics (formerly Invitae), Labcorp
Classification: Uncertain significance for EGFR-related lung cancer. Last evaluated: 2022-07-29. Review status: criteria provided, single submitter. Criteria: Invitae Variant Classification Sherloc (09022015). Collection method: clinical testing. Allele origin: germline.
Comment: In summary, the available evidence is currently insufficient to determine the role of this variant in disease. Therefore, it has been classified as a Variant of Uncertain Significance. Algorithms developed to predict the effect of missense changes on protein structure and function (SIFT, PolyPhen-2, Align-GVGD) all suggest that this variant is likely to be tolerated. This variant has not been reported in the literature in individuals affected with EGFR-related conditions. This variant is not present in population databases (gnomAD no frequency). This sequence change replaces asparagine, which is neutral and polar, with isoleucine, which is neutral and non-polar, at codon 175 of the EGFR protein (p.Asn175Ile).

NM_005228.5(EGFR):c.524A>T (p.Asn175Ile)

Gene: EGFR (epidermal growth factor receptor; plus strand). Cytogenetic location: 7p11.2.
Variant type: single nucleotide variant.
Coding change: c.524A>T on transcript NM_005228.5 (MANE Select); coding-DNA position 524, A replaced by T.
Protein change: p.Asn175Ile; replaces asparagine 175 with isoleucine.
Molecular consequence: missense variant. On other transcripts: intron variant (3).
Genome position (GRCh38, 1-based): chr7:55,146,705, A>T. VCF-style: chr7-55146705-A-T. GRCh37 (hg19) VCF-style: chr7-55214398-A-T.
Other names: c.524A>T, p.Asn175Ile (NM_001346898.2, NM_201282.2, NM_201283.2 and 1 more transcripts); c.365A>T, p.Asn122Ile (NM_001346900.2); c.424+3217A>T (NM_001346899.2, NM_001346897.2); c.89-9125A>T (NM_001346941.2); short protein forms N122I, N175I.
Identifiers: ClinVar variation 1714161 (VCV001714161.5), dbSNP rs2128929583, ClinGen allele CA367576680.